The following is an entry in ClinVar:

ClinVar aggregate classification (germline): Uncertain significance. Review status: criteria provided, multiple submitters, no conflicts (2 of 4 stars). 2 submissions from 2 submitters: Uncertain significance (2). Last evaluated 2023-11-19.

Conditions:
Combined immunodeficiency due to LRBA deficiency. Also called: Common variable immunodeficiency 8, with autoimmunity. Identifiers: Orphanet 445018, MedGen C3553512, MONDO:0013863, OMIM 614700.

Allele frequency attached by ClinVar (database versions not stated): TOPMed below 0.00001; ExAC 0.00001.
gnomAD v4.1: 9 of 1,612,774 alleles (0.00056%); highest among the groups gnomAD compares: Admixed American, 0.0017%; no homozygotes.

Submissions (2):

Labcorp Genetics (formerly Invitae), Labcorp
Classification: Uncertain significance for Combined immunodeficiency due to LRBA deficiency. Last evaluated: 2023-11-19. Review status: criteria provided, single submitter. Criteria: Invitae Variant Classification Sherloc (09022015). Collection method: clinical testing. Allele origin: germline.
Comment: This sequence change replaces glycine, which is neutral and non-polar, with alanine, which is neutral and non-polar, at codon 2614 of the LRBA protein (p.Gly2614Ala). This variant is present in population databases (rs766651200, gnomAD 0.0009%). This variant has not been reported in the literature in individuals affected with LRBA-related conditions. ClinVar contains an entry for this variant (Variation ID: 1961984). Advanced modeling of protein sequence and biophysical properties (such as structural, functional, and spatial information, amino acid conservation, physicochemical variation, residue mobility, and thermodynamic stability) performed at Invitae indicates that this missense variant is expected to disrupt LRBA protein function with a positive predictive value of 80%. In summary, the available evidence is currently insufficient to determine the role of this variant in disease. Therefore, it has been classified as a Variant of Uncertain Significance.

Blueprint Genetics
Classification: Uncertain significance. Last evaluated: 2017-11-07. Review status: criteria provided, single submitter. Criteria: ACMG Guidelines, 2015. Collection method: clinical testing. Allele origin: germline.

NM_001364905.1(LRBA):c.7808G>C (p.Gly2603Ala)

Gene: LRBA (LPS responsive beige-like anchor protein; minus strand). Cytogenetic location: 4q31.3.
Variant type: single nucleotide variant.
Coding change: c.7808G>C on transcript NM_001364905.1 (MANE Select); coding-DNA position 7808, G replaced by C.
Protein change: p.Gly2603Ala; replaces glycine 2603 with alanine.
Molecular consequence: missense variant.
Genome position (GRCh38, 1-based): chr4:150,310,270, C>G on the plus strand (G>C on the coding strand, the complement: LRBA is on the minus strand). VCF-style: chr4-150310270-C-G. GRCh37 (hg19) VCF-style: chr4-151231422-C-G.
Other names: c.7808G>C, p.Gly2603Ala (NM_001199282.3); c.7823G>C, p.Gly2608Ala (NM_001367550.1); c.7841G>C, p.Gly2614Ala (NM_006726.5); short protein forms G2608A, G2603A, G2614A.
Identifiers: ClinVar variation 1961984 (VCV001961984.4), dbSNP rs766651200, ClinGen allele CA3101524.